The following is an entry in ClinVar:

ClinVar aggregate classification (germline): Uncertain significance (1 of 4 stars; one submission).

Conditions:
Charcot-Marie-Tooth disease type 4. Also called: Charcot-Marie-Tooth disease, type IV; Charcot-Marie-Tooth, Type 4. Identifiers: Orphanet 64749, MedGen C4082197, MONDO:0018995.

Allele frequency attached by ClinVar (database versions not stated): gnomAD exomes below 0.00001; TOPMed below 0.00001.
gnomAD v4.1: 1 of 1,614,208 alleles (0.000062%); highest among the groups gnomAD compares: Non-Finnish European, 0.000085%; no homozygotes.

Submission:

Labcorp Genetics (formerly Invitae), Labcorp
Classification: Uncertain significance for Charcot-Marie-Tooth disease type 4. Last evaluated: 2021-08-28. Review status: criteria provided, single submitter. Criteria: Invitae Variant Classification Sherloc (09022015). Collection method: clinical testing. Allele origin: germline.
Comment: This sequence change replaces arginine with threonine at codon 76 of the SH3TC2 protein (p.Arg76Thr). The arginine residue is highly conserved and there is a moderate physicochemical difference between arginine and threonine. This variant is not present in population databases (ExAC no frequency). This variant has not been reported in the literature in individuals affected with SH3TC2-related conditions. Algorithms developed to predict the effect of missense changes on protein structure and function (SIFT, PolyPhen-2, Align-GVGD) all suggest that this variant is likely to be tolerated. In summary, the available evidence is currently insufficient to determine the role of this variant in disease. Therefore, it has been classified as a Variant of Uncertain Significance.

NM_024577.4(SH3TC2):c.227G>C (p.Arg76Thr)

Gene: SH3TC2 (SH3 domain and tetratricopeptide repeats 2; minus strand). Cytogenetic location: 5q32.
Variant type: single nucleotide variant.
Coding change: c.227G>C on transcript NM_024577.4 (MANE Select); coding-DNA position 227, G replaced by C.
Protein change: p.Arg76Thr; replaces arginine 76 with threonine.
Molecular consequence: missense variant.
Genome position (GRCh38, 1-based): chr5:149,047,914, C>G on the plus strand (G>C on the coding strand, the complement: SH3TC2 is on the minus strand). VCF-style: chr5-149047914-C-G. GRCh37 (hg19) VCF-style: chr5-148427477-C-G.
Other names: short protein forms R76T.
Identifiers: ClinVar variation 1001936 (VCV001001936.6), dbSNP rs1754493155, ClinGen allele CA361678919.